The following is an entry in ClinVar:

NM_000051.4(ATM):c.8986dup (p.Ser2996fs)

Genes: ATM (ATM serine/threonine kinase; plus strand), C11orf65 (chromosome 11 open reading frame 65; minus strand). Cytogenetic location: 11q22.3.
Variant type: Duplication.
Coding change: c.8986dup on transcript NM_000051.4 (MANE Select); coding-DNA position 8986, one base duplicated (A; older notation c.8986dupA).
Protein change: p.Ser2996fs; shifts the reading frame from serine 2996.
Molecular consequence: frameshift variant. On other transcripts: intron variant (2).
Genome position (GRCh38, 1-based): chr11:108,365,217, A duplicated. VCF-style (leftmost placement, unchanged base first): chr11-108365216-C-CA. GRCh37 (hg19) VCF-style: chr11-108235943-C-CA.
Other names: c.8986dup, p.Ser2996fs (NM_001351834.2); c.640+20703dup (NM_001330368.2); c.694+20703dup (NM_001351110.2); short protein forms S2996fs.
Identifiers: ClinVar variation 1452555 (VCV001452555.8), dbSNP rs2137888813, ClinGen allele CA2573146500.

ClinVar aggregate classification (germline): Pathogenic (1 of 4 stars; one submission).

Conditions:
Ataxia-telangiectasia syndrome (AT). Also called: Ataxia-telangiectasia; LOUIS-BAR SYNDROME; Ataxia-telangiectasia, complementation group D; AT, COMPLEMENTATION GROUP C; ATAXIA-TELANGIECTASIA, COMPLEMENTATION GROUP A; ATAXIA-TELANGIECTASIA, FRESNO VARIANT. Identifiers: Orphanet 100, MedGen C0004135, MONDO:0008840, OMIM 208900.

Submission:

Labcorp Genetics (formerly Invitae), Labcorp
Classification: Pathogenic for Ataxia-telangiectasia syndrome. Last evaluated: 2021-10-27. Review status: criteria provided, single submitter. Criteria: Invitae Variant Classification Sherloc (09022015). Collection method: clinical testing. Allele origin: germline.
Comment: For these reasons, this variant has been classified as Pathogenic. This variant disrupts a region of the ATM protein in which other variant(s) (p.Arg3047*) have been determined to be pathogenic (PMID: 8755918, 10980530, 18560558, 19431188, 19691550, 26628246). This suggests that this is a clinically significant region of the protein, and that variants that disrupt it are likely to be disease-causing. This variant has not been reported in the literature in individuals affected with ATM-related conditions. This variant is not present in population databases (gnomAD no frequency). This sequence change creates a premature translational stop signal (p.Ser2996Lysfs*2) in the ATM gene. While this is not anticipated to result in nonsense mediated decay, it is expected to disrupt the last 61 amino acid(s) of the ATM protein.

Literature cited by the submitters: PubMed 8755918; PubMed 10980530; PubMed 18560558; PubMed 19431188; PubMed 19691550; PubMed 26628246.